The following is an entry in ClinVar:

ClinVar aggregate classification (germline): Uncertain significance (1 of 4 stars; one submission).

Conditions:
Inborn genetic diseases. Identifiers: MedGen C0950123, MeSH D030342.

Submission:

Ambry Genetics
Classification: Uncertain significance for Inborn genetic diseases. Last evaluated: 2024-05-10. Review status: criteria provided, single submitter. Criteria: Ambry Variant Classification Scheme 2023. Collection method: clinical testing. Allele origin: germline.
Comment: The p.T709A variant (also known as c.2125A>G), located in coding exon 22 of the ERCC2 gene, results from an A to G substitution at nucleotide position 2125. The threonine at codon 709 is replaced by alanine, an amino acid with similar properties. This amino acid position is conserved. In addition, the in silico prediction for this alteration is inconclusive. Based on the available evidence, the clinical significance of this variant remains unclear.

NM_000400.4(ERCC2):c.2125A>G (p.Thr709Ala)

Gene: ERCC2 (ERCC excision repair 2, TFIIH core complex helicase subunit; minus strand). Cytogenetic location: 19q13.32.
Variant type: single nucleotide variant.
Coding change: c.2125A>G on transcript NM_000400.4 (MANE Select); coding-DNA position 2125, A replaced by G.
Protein change: p.Thr709Ala; replaces threonine 709 with alanine.
Molecular consequence: missense variant.
Genome position (GRCh38, 1-based): chr19:45,352,274, T>C on the plus strand (A>G on the coding strand, the complement: ERCC2 is on the minus strand). VCF-style: chr19-45352274-T-C. GRCh37 (hg19) VCF-style: chr19-45855532-T-C.
Other names: short protein forms T709A.
Identifiers: ClinVar variation 3276273 (VCV003276273.1).
Genomic context (GRCh38, chr19:45,352,274, plus strand): 5'-GGAAGGGCTGTGCCATCTGCCGCAGGAAGTACTTGGCCACCTGGACACCCTCGTCCACGG[T>C]CAGGTTGAGGTTGGCATCTGTGAGGTGCTCCTGGATCCAGCGGGGCAGCTTCCCCCGCTT-3'
Protein context (NP_000391.1, residues 699-719): EHLTDANLNL[Thr709Ala]VDEGVQVAKY